The following is an entry in ClinVar:

ClinVar aggregate classification (germline): Uncertain significance (1 of 4 stars; one submission).

Allele frequency attached by ClinVar (database versions not stated): gnomAD exomes 0.00007 and 0.00020; ESP Exome Variant Server 0.00008; gnomAD 0.00011; TOPMed 0.00011; ExAC 0.00015; 1000 Genomes Project 0.00020; 1000 Genomes Project 30x 0.00031.
gnomAD v4.1: 118 of 1,614,066 alleles (0.0073%); highest among the groups gnomAD compares: Admixed American, 0.058%; no homozygotes.

Submission:

Labcorp Genetics (formerly Invitae), Labcorp
Classification: Uncertain significance. Last evaluated: 2025-07-21. Review status: criteria provided, single submitter. Criteria: Invitae Variant Classification Sherloc (09022015). Collection method: clinical testing. Allele origin: germline.
Comment: This sequence change replaces arginine, which is basic and polar, with cysteine, which is neutral and slightly polar, at codon 99 of the SLCO2A1 protein (p.Arg99Cys). This variant is present in population databases (rs144748248, gnomAD 0.08%). This variant has not been reported in the literature in individuals affected with SLCO2A1-related conditions. ClinVar contains an entry for this variant (Variation ID: 1407910). Invitae Evidence Modeling of protein sequence and biophysical properties (such as structural, functional, and spatial information, amino acid conservation, physicochemical variation, residue mobility, and thermodynamic stability) indicates that this missense variant is expected to disrupt SLCO2A1 protein function with a positive predictive value of 95%. In summary, the available evidence is currently insufficient to determine the role of this variant in disease. Therefore, it has been classified as a Variant of Uncertain Significance.

NM_005630.3(SLCO2A1):c.295C>T (p.Arg99Cys)

Gene: SLCO2A1 (solute carrier organic anion transporter family member 2A1; minus strand). Cytogenetic location: 3q22.1.
Variant type: single nucleotide variant.
Coding change: c.295C>T on transcript NM_005630.3 (MANE Select); coding-DNA position 295, C replaced by T.
Protein change: p.Arg99Cys; replaces arginine 99 with cysteine.
Molecular consequence: missense variant.
Genome position (GRCh38, 1-based): chr3:133,973,765, G>A on the plus strand (C>T on the coding strand, the complement: SLCO2A1 is on the minus strand). VCF-style: chr3-133973765-G-A. GRCh37 (hg19) VCF-style: chr3-133692609-G-A.
Other names: short protein forms R99C.
Identifiers: ClinVar variation 1407910 (VCV001407910.7), dbSNP rs144748248, ClinGen allele CA2626873.